The following is an entry in ClinVar:

ClinVar aggregate classification (germline): Uncertain significance. Review status: criteria provided, multiple submitters, no conflicts (2 of 4 stars). 3 submissions from 3 submitters: Uncertain significance (3). Last evaluated 2026-01-04.

Conditions:
Renal cell carcinoma. Identifiers: Orphanet 217071, MedGen C0007134, MeSH D002292, MONDO:0005086, HP:0005584.
Hereditary cancer-predisposing syndrome. Also called: Neoplastic Syndromes, Hereditary; Tumor predisposition; Hereditary neoplastic syndrome; Hereditary Cancer Syndrome. Identifiers: Orphanet 140162, MedGen C0027672, MeSH D009386, MONDO:0015356.

Allele frequency attached by ClinVar (database versions not stated): gnomAD exomes below 0.00001; TOPMed below 0.00001; ExAC 0.00001.

Submissions (3):

Labcorp Genetics (formerly Invitae), Labcorp
Classification: Uncertain significance for Renal cell carcinoma. Last evaluated: 2026-01-04. Review status: criteria provided, single submitter. Criteria: Invitae Variant Classification Sherloc (09022015). Collection method: clinical testing. Allele origin: germline.
Comment: This sequence change replaces arginine, which is basic and polar, with cysteine, which is neutral and slightly polar, at codon 426 of the MET protein (p.Arg426Cys). The frequency data for this variant in the population databases is considered unreliable, as metrics indicate poor data quality at this position in the gnomAD database. This variant has not been reported in the literature in individuals affected with MET-related conditions. ClinVar contains an entry for this variant (Variation ID: 1385970). Invitae Evidence Modeling of protein sequence and biophysical properties (such as structural, functional, and spatial information, amino acid conservation, physicochemical variation, residue mobility, and thermodynamic stability) indicates that this missense variant is expected to disrupt MET protein function with a positive predictive value of 80%. In summary, the available evidence is currently insufficient to determine the role of this variant in disease. Therefore, it has been classified as a Variant of Uncertain Significance.

Ambry Genetics
Classification: Uncertain significance for Hereditary cancer-predisposing syndrome. Last evaluated: 2025-11-19. Review status: criteria provided, single submitter. Criteria: Ambry Variant Classification Scheme 2023. Collection method: clinical testing. Allele origin: germline.
Comment: The p.R426C variant (also known as c.1276C>T), located in coding exon 2 of the MET gene, results from a C to T substitution at nucleotide position 1276. The arginine at codon 426 is replaced by cysteine, an amino acid with highly dissimilar properties. This amino acid position is highly conserved in available vertebrate species. In addition, the in silico prediction for this alteration is inconclusive. Since supporting evidence is limited at this time, the clinical significance of this alteration remains unclear.

Center for Genomic Medicine, Rigshospitalet, Copenhagen University Hospital
Classification: Uncertain significance. Last evaluated: 2025-03-04. Review status: criteria provided, single submitter. Criteria: ACMG Guidelines, 2015. Collection method: clinical testing. Allele origin: germline.

NM_000245.4(MET):c.1276C>T (p.Arg426Cys)

Gene: MET (MET proto-oncogene, receptor tyrosine kinase; plus strand). Cytogenetic location: 7q31.2.
Variant type: single nucleotide variant.
Coding change: c.1276C>T on transcript NM_000245.4 (MANE Select); coding-DNA position 1276, C replaced by T.
Protein change: p.Arg426Cys; replaces arginine 426 with cysteine.
Molecular consequence: missense variant. On other transcripts: 5 prime UTR variant (1).
Genome position (GRCh38, 1-based): chr7:116,731,743, C>T. VCF-style: chr7-116731743-C-T. GRCh37 (hg19) VCF-style: chr7-116371797-C-T.
Other names: c.1276C>T (NM_001127500.1); c.1276C>T, p.Arg426Cys (NM_001127500.3, NM_001324401.3); c.-15C>T (NM_001324402.2); short protein forms R426C.
Identifiers: ClinVar variation 1385970 (VCV001385970.9), dbSNP rs774779741, ClinGen allele CA4448125.